The following is an entry in ClinVar:

NM_201384.3(PLEC):c.9239A>G (p.Glu3080Gly)

Gene: PLEC (plectin; minus strand). Cytogenetic location: 8q24.3.
Variant type: single nucleotide variant.
Coding change: c.9239A>G on transcript NM_201384.3 (MANE Select); coding-DNA position 9239, A replaced by G.
Protein change: p.Glu3080Gly; replaces glutamic acid 3080 with glycine.
Molecular consequence: missense variant.
Genome position (GRCh38, 1-based): chr8:143,920,582, T>C on the plus strand (A>G on the coding strand, the complement: PLEC is on the minus strand). VCF-style: chr8-143920582-T-C. GRCh37 (hg19) VCF-style: chr8-144994750-T-C.
Other names: c.9320A>G (NM_000445.3); c.9320A>G, p.Glu3107Gly (NM_000445.5); c.9197A>G, p.Glu3066Gly (NM_201378.4); c.9173A>G, p.Glu3058Gly (NM_201379.3); c.9650A>G, p.Glu3217Gly (NM_201380.4); c.9143A>G, p.Glu3048Gly (NM_201381.3); c.9239A>G, p.Glu3080Gly (NM_201382.4); c.9251A>G, p.Glu3084Gly (NM_201383.3); short protein forms E3048G, E3058G, E3066G, E3080G, E3084G, E3107G, E3217G.
Identifiers: ClinVar variation 502669 (VCV000502669.17), dbSNP rs200069306, ClinGen allele CA4925025.

ClinVar aggregate classification (germline): Uncertain significance. Review status: criteria provided, multiple submitters, no conflicts (2 of 4 stars). 4 submissions from 4 submitters: Uncertain significance (4). Last evaluated 2025-08-11.

Conditions:
Autosomal recessive limb-girdle muscular dystrophy type 2Q (LGMDR17). Also called: MUSCULAR DYSTROPHY, LIMB-GIRDLE, AUTOSOMAL RECESSIVE 17. Identifiers: Orphanet 254361, MedGen C3150989, MONDO:0013390, OMIM 613723.
Epidermolysis bullosa simplex 5C, with pyloric atresia (EBS5C). Also called: Epidermolysis bullosa simplex with pyloric atresia; PLEC-Related Epidermolysis Bullosa with Pyloric Atresia; PLEC1-Related Epidermolysis Bullosa with Pyloric Atresia. Identifiers: Orphanet 158684, MedGen C2677349, MONDO:0012807, OMIM 612138.
Epidermolysis bullosa simplex 5B, with muscular dystrophy (EBS5B). Also called: EPIDERMOLYSIS BULLOSA SIMPLEX AND LIMB-GIRDLE MUSCULAR DYSTROPHY; Epidermolysis bullosa simplex with muscular dystrophy. Identifiers: Orphanet 257, MedGen C2931072, MONDO:0009181, OMIM 226670.
Epidermolysis bullosa simplex with nail dystrophy (EBS5D). Identifiers: MedGen C4225309, MONDO:0014661, OMIM 616487.
Epidermolysis bullosa simplex, Ogna type (EBS5A). Also called: Pidermolysis bullosa simplex 5A, Ogna type; EPIDERMOLYSIS BULLOSA SIMPLEX 5A, OGNA TYPE. Identifiers: Orphanet 79401, MedGen C0432317, MONDO:0007555, OMIM 131950.
Inborn genetic diseases. Identifiers: MedGen C0950123, MeSH D030342.

Allele frequency attached by ClinVar (database versions not stated): gnomAD exomes 0.00002 and 0.00007; ExAC 0.00010; ESP Exome Variant Server 0.00032; TOPMed 0.00032; gnomAD 0.00036 and 0.00038.
gnomAD v4.1: 84 of 1,610,496 alleles (0.0052%); highest among the groups gnomAD compares: African/African-American, 0.1%; no homozygotes.

Submissions (4):

Labcorp Genetics (formerly Invitae), Labcorp
Classification: Uncertain significance for Autosomal recessive limb-girdle muscular dystrophy type 2Q; Epidermolysis bullosa simplex, Ogna type; Epidermolysis bullosa simplex with nail dystrophy; Epidermolysis bullosa simplex 5C, with pyloric atresia; Epidermolysis bullosa simplex 5B, with muscular dystrophy. Last evaluated: 2025-08-11. Review status: criteria provided, single submitter. Criteria: Invitae Variant Classification Sherloc (09022015). Collection method: clinical testing. Allele origin: germline.
Comment: This sequence change replaces glutamic acid, which is acidic and polar, with glycine, which is neutral and non-polar, at codon 3107 of the PLEC protein (p.Glu3107Gly). This variant is present in population databases (rs200069306, gnomAD 0.1%). This variant has not been reported in the literature in individuals affected with PLEC-related conditions. ClinVar contains an entry for this variant (Variation ID: 502669). An algorithm developed to predict the effect of missense changes on protein structure and function (PolyPhen-2) suggests that this variant is likely to be disruptive. In summary, the available evidence is currently insufficient to determine the role of this variant in disease. Therefore, it has been classified as a Variant of Uncertain Significance.

Ambry Genetics
Classification: Uncertain significance for Inborn genetic diseases. Last evaluated: 2024-01-17. Review status: criteria provided, single submitter. Criteria: Ambry Variant Classification Scheme 2023. Collection method: clinical testing. Allele origin: germline.

Revvity Omics, Revvity
Classification: Uncertain significance. Last evaluated: 2020-02-28. Review status: criteria provided, single submitter. Criteria: ACMG Guidelines, 2015. Collection method: clinical testing. Allele origin: germline.

Eurofins Ntd Llc (ga)
Classification: Uncertain significance. Last evaluated: 2017-06-21. Review status: criteria provided, single submitter. Criteria: EGL Classification Definitions 2015. Collection method: clinical testing. Allele origin: germline. Observed: 1 variant allele, 1 heterozygote.